The following is an entry in ClinVar:

NM_080680.3(COL11A2):c.2827G>A (p.Gly943Ser)

Gene: COL11A2 (collagen type XI alpha 2 chain; minus strand). Cytogenetic location: 6p21.32.
Variant type: single nucleotide variant.
Coding change: c.2827G>A on transcript NM_080680.3 (MANE Select); coding-DNA position 2827, G replaced by A.
Protein change: p.Gly943Ser; replaces glycine 943 with serine.
Molecular consequence: missense variant.
Genome position (GRCh38, 1-based): chr6:33,172,601, C>T on the plus strand (G>A on the coding strand, the complement: COL11A2 is on the minus strand). VCF-style: chr6-33172601-C-T. GRCh37 (hg19) VCF-style: chr6-33140378-C-T.
Other names: c.2647G>A, p.Gly883Ser (NM_001424108.1); c.1981G>A, p.Gly661Ser (NM_001424109.1); c.1801G>A, p.Gly601Ser (NM_001424110.1, NM_001424111.1); c.781G>A, p.Gly261Ser (NM_001424112.1); c.2506G>A, p.Gly836Ser (NM_080679.3); c.2569G>A, p.Gly857Ser (NM_080681.3); short protein forms G261S, G661S, G601S, G943S, G836S, G857S, G883S.
Identifiers: ClinVar variation 2986356 (VCV002986356.3), dbSNP rs934741073, ClinGen allele CA363638035.

ClinVar aggregate classification (germline): Uncertain significance (1 of 4 stars; one submission).

Submission:

Labcorp Genetics (formerly Invitae), Labcorp
Classification: Uncertain significance. Last evaluated: 2023-09-11. Review status: criteria provided, single submitter. Criteria: Invitae Variant Classification Sherloc (09022015). Collection method: clinical testing. Allele origin: germline.
Comment: This variant has not been reported in the literature in individuals affected with COL11A2-related conditions. In summary, the available evidence is currently insufficient to determine the role of this variant in disease. Therefore, it has been classified as a Variant of Uncertain Significance. Advanced modeling of protein sequence and biophysical properties (such as structural, functional, and spatial information, amino acid conservation, physicochemical variation, residue mobility, and thermodynamic stability) performed at Invitae indicates that this missense variant is expected to disrupt COL11A2 protein function. This variant is not present in population databases (gnomAD no frequency). This sequence change replaces glycine, which is neutral and non-polar, with serine, which is neutral and polar, at codon 943 of the COL11A2 protein (p.Gly943Ser).